The following is an entry in ClinVar:

ClinVar aggregate classification (germline): Uncertain significance. Review status: criteria provided, multiple submitters, no conflicts (2 of 4 stars). 5 submissions from 5 submitters: Uncertain significance (3). 2 of the submissions do not count toward it. Last evaluated 2025-04-07.

Conditions:
Hereditary cancer-predisposing syndrome. Also called: Hereditary neoplastic syndrome; Hereditary Cancer Syndrome; Neoplastic Syndromes, Hereditary; Tumor predisposition. Identifiers: Orphanet 140162, MedGen C0027672, MeSH D009386, MONDO:0015356.
Familial adenomatous polyposis 1 (FAP1). Also called: FAMILIAL ADENOMATOUS POLYPOSIS 1, ATTENUATED; POLYPOSIS, ADENOMATOUS INTESTINAL. Identifiers: MedGen C2713442, MONDO:0021056, OMIM 175100. Disease mechanism: loss of function.

Allele frequency attached by ClinVar (database versions not stated): gnomAD below 0.00001 and 0.00001; gnomAD exomes below 0.00001; ExAC 0.00001.
gnomAD v4.1: 12 of 1,613,956 alleles (0.00074%); highest among the groups gnomAD compares: South Asian, 0.013%; no homozygotes.

Submissions (5):

Ambry Genetics
Classification: Uncertain significance for Hereditary cancer-predisposing syndrome. Last evaluated: 2025-04-07. Review status: criteria provided, single submitter. Criteria: Ambry Variant Classification Scheme 2023. Collection method: clinical testing. Allele origin: germline.
Comment: The p.Y133D variant (also known as c.397T>G), located in coding exon 3 of the APC gene, results from a T to G substitution at nucleotide position 397. The tyrosine at codon 133 is replaced by aspartic acid, an amino acid with highly dissimilar properties. This amino acid position is highly conserved in available vertebrate species. In addition, in silico predictors for this gene do not accurately predict pathogenicity. Based on the available evidence, the clinical significance of this variant remains unclear.

GeneDx
Classification: Uncertain significance. Last evaluated: 2025-04-06. Review status: criteria provided, single submitter. Criteria: GeneDx Variant Classification Process June 2021. Collection method: clinical testing. Allele origin: germline. Affected: yes.
Comment: Not observed at significant frequency in large population cohorts (gnomAD); In silico analysis supports that this missense variant has a deleterious effect on protein structure/function; Has not been previously published as pathogenic or benign to our knowledge

Labcorp Genetics (formerly Invitae), Labcorp
Classification: Uncertain significance for Familial adenomatous polyposis 1. Last evaluated: 2023-09-21. Review status: criteria provided, single submitter. Criteria: Invitae Variant Classification Sherloc (09022015). Collection method: clinical testing. Allele origin: germline.
Comment: In summary, the available evidence is currently insufficient to determine the role of this variant in disease. Therefore, it has been classified as a Variant of Uncertain Significance. Advanced modeling of protein sequence and biophysical properties (such as structural, functional, and spatial information, amino acid conservation, physicochemical variation, residue mobility, and thermodynamic stability) performed at Invitae indicates that this missense variant is not expected to disrupt APC protein function. ClinVar contains an entry for this variant (Variation ID: 374939). This variant has not been reported in the literature in individuals affected with APC-related conditions. This variant is present in population databases (rs763487503, gnomAD 0.003%). This sequence change replaces tyrosine, which is neutral and polar, with aspartic acid, which is acidic and polar, at codon 133 of the APC protein (p.Tyr133Asp).

Cancer Genomics Lab, PINUM Cancer Hospital
Classification: Uncertain significance for Hereditary cancer-predisposing syndrome. Last evaluated: 2023-03-23. Review status: no assertion criteria provided. Collection method: clinical testing. Allele origin: germline. Affected: yes. Not counted in ClinVar's aggregate classification.

Knight Diagnostic Laboratories, Oregon Health and Sciences University
Classification: Uncertain significance for Familial adenomatous polyposis 1. Last evaluated: 2016-01-27. Review status: no assertion criteria provided. Criteria: ACMG Guidelines, 2015. Collection method: clinical testing. Allele origin: germline. Affected: no. Study: CSER-NextGen. Not counted in ClinVar's aggregate classification.

NM_000038.6(APC):c.397T>G (p.Tyr133Asp)

Gene: APC (APC regulator of Wnt signaling pathway; plus strand). Cytogenetic location: 5q22.2.
Variant type: single nucleotide variant.
Coding change: c.397T>G on transcript NM_000038.6 (MANE Select); coding-DNA position 397, T replaced by G.
Protein change: p.Tyr133Asp; replaces tyrosine 133 with aspartic acid.
Molecular consequence: missense variant. On other transcripts: 5 prime UTR variant (1).
Genome position (GRCh38, 1-based): chr5:112,767,365, T>G. VCF-style: chr5-112767365-T-G. GRCh37 (hg19) VCF-style: chr5-112103062-T-G.
Other names: c.397T>G, p.Tyr133Asp (NM_001127510.3, NM_001354895.2, NM_001354896.2 and 2 more transcripts); c.427T>G, p.Tyr143Asp (NM_001127511.3, NM_001354897.2, NM_001354902.2); c.322T>G, p.Tyr108Asp (NM_001354898.2, NM_001354904.2); c.220T>G, p.Tyr74Asp (NM_001354900.2, NM_001354901.2, NM_001354905.2); c.-639T>G (NM_001354906.2); short protein forms Y133D, Y143D, Y108D, Y74D.
Identifiers: ClinVar variation 374939 (VCV000374939.15), dbSNP rs763487503, ClinGen allele CA037250.